The following is an entry in ClinVar:

ClinVar aggregate classification (germline): Uncertain significance. Review status: criteria provided, multiple submitters, no conflicts (2 of 4 stars). 4 submissions from 4 submitters: Uncertain significance (4). Last evaluated 2025-10-28.

Conditions:
Familial focal epilepsy with variable foci (FPEVF). Identifiers: Orphanet 98820, MedGen C1858477, MONDO:0020310.

Allele frequency attached by ClinVar (database versions not stated): ExAC 0.00001; gnomAD 0.00001; gnomAD exomes 0.00001; TOPMed 0.00001.
gnomAD v4.1: 6 of 1,613,848 alleles (0.00037%); highest among the groups gnomAD compares: African/African-American, 0.0013%; no homozygotes.

Submissions (4):

Greenwood Genetic Center Diagnostic Laboratories, Greenwood Genetic Center
Classification: Uncertain significance. Last evaluated: 2025-10-28. Review status: criteria provided, single submitter. Criteria: ACMG Guidelines, 2015. Collection method: clinical testing. Allele origin: germline. Affected: yes.
Comment: PM2

Labcorp Genetics (formerly Invitae), Labcorp
Classification: Uncertain significance for Familial focal epilepsy with variable foci. Last evaluated: 2025-06-17. Review status: criteria provided, single submitter. Criteria: Invitae Variant Classification Sherloc (09022015). Collection method: clinical testing. Allele origin: germline.
Comment: This sequence change replaces cysteine, which is neutral and slightly polar, with serine, which is neutral and polar, at codon 1412 of the DEPDC5 protein (p.Cys1412Ser). This variant is present in population databases (rs764266296, gnomAD 0.007%). This variant has not been reported in the literature in individuals affected with DEPDC5-related conditions. ClinVar contains an entry for this variant (Variation ID: 2919401). Experimental studies and prediction algorithms are not available or were not evaluated, and the functional significance of this variant is currently unknown. In summary, the available evidence is currently insufficient to determine the role of this variant in disease. Therefore, it has been classified as a Variant of Uncertain Significance.

GeneDx
Classification: Uncertain significance. Last evaluated: 2024-08-20. Review status: criteria provided, single submitter. Criteria: GeneDx Variant Classification Process June 2021. Collection method: clinical testing. Allele origin: germline. Affected: yes.
Comment: In silico analysis supports that this missense variant has a deleterious effect on protein structure/function; Has not been previously published as pathogenic or benign to our knowledge

Blueprint Genetics
Classification: Uncertain significance. Last evaluated: 2021-12-15. Review status: criteria provided, single submitter. Criteria: ACMG Guidelines, 2015. Collection method: clinical testing. Allele origin: germline.

NM_001242896.3(DEPDC5):c.4235G>C (p.Cys1412Ser)

Gene: DEPDC5 (DEP domain containing 5, GATOR1 subcomplex subunit; plus strand). Cytogenetic location: 22q12.3.
Variant type: single nucleotide variant.
Coding change: c.4235G>C on transcript NM_001242896.3 (MANE Select); coding-DNA position 4235, G replaced by C.
Protein change: p.Cys1412Ser; replaces cysteine 1412 with serine.
Molecular consequence: missense variant. On other transcripts: non-coding transcript variant (5).
Genome position (GRCh38, 1-based): chr22:31,897,513, G>C. VCF-style: chr22-31897513-G-C. GRCh37 (hg19) VCF-style: chr22-32293499-G-C.
Other names: c.4235G>C (NM_001242896.1); c.4208G>C, p.Cys1403Ser (NM_001136029.4); c.3935G>C, p.Cys1312Ser (NM_001242897.2); c.4169G>C, p.Cys1390Ser (NM_001363852.2, NM_001364320.2); c.4001G>C, p.Cys1334Ser (NM_001363854.2, NM_001364319.2); c.4235G>C, p.Cys1412Ser (NM_001364318.2); c.4151G>C, p.Cys1384Ser (NM_001369901.1, NM_001369902.1); c.4142G>C, p.Cys1381Ser (NM_001369903.1, NM_014662.6); short protein forms C1312S, C1381S, C1412S, C1334S, C1403S, C1384S, C1390S.
Identifiers: ClinVar variation 2919401 (VCV002919401.5), dbSNP rs764266296, ClinGen allele CA10197202.